The following is an entry in ClinVar:

NM_032447.5(FBN3):c.4303G>C (p.Glu1435Gln)

Gene: FBN3 (fibrillin 3; minus strand). Cytogenetic location: 19p13.2.
Variant type: single nucleotide variant.
Coding change: c.4303G>C on transcript NM_032447.5 (MANE Select); coding-DNA position 4303, G replaced by C.
Protein change: p.Glu1435Gln; replaces glutamic acid 1435 with glutamine.
Molecular consequence: missense variant.
Genome position (GRCh38, 1-based): chr19:8,110,875, C>G on the plus strand (G>C on the coding strand, the complement: FBN3 is on the minus strand). VCF-style: chr19-8110875-C-G. GRCh37 (hg19) VCF-style: chr19-8175759-C-G.
Other names: c.4303G>C, p.Glu1435Gln (NM_001321431.2); short protein forms E1435Q.
Identifiers: ClinVar variation 4760252 (VCV004760252.1).
Genomic context (GRCh38, chr19:8,110,875, plus strand): 5'-TCTCCCCTTCCAGCCCAGATGACCTCACACCTGTGCAGTTGCCACCCCCTCGGTCCAGTT[C>G]GTAGCCACCATTGCAGATGCAGCGGAACATTCCAGGCAGGTTCTCACAGCTCCCAAATGC-3'
Protein context (NP_115823.3, residues 1425-1445): MFRCICNGGY[Glu1435Gln]LDRGGGNCTD

ClinVar aggregate classification (germline): Uncertain significance (1 of 4 stars; one submission).

Submission:

Labcorp Genetics (formerly Invitae), Labcorp
Classification: Uncertain significance. Last evaluated: 2025-07-03. Review status: criteria provided, single submitter. Criteria: Invitae Variant Classification Sherloc (09022015). Collection method: clinical testing. Allele origin: germline.
Comment: This sequence change replaces glutamic acid, which is acidic and polar, with glutamine, which is neutral and polar, at codon 1435 of the FBN3 protein (p.Glu1435Gln). This variant is not present in population databases (gnomAD no frequency). This variant has not been reported in the literature in individuals affected with FBN3-related conditions. Invitae Evidence Modeling of protein sequence and biophysical properties (such as structural, functional, and spatial information, amino acid conservation, physicochemical variation, residue mobility, and thermodynamic stability) indicates that this missense variant is not expected to disrupt FBN3 protein function with a negative predictive value of 80%. In summary, the available evidence is currently insufficient to determine the role of this variant in disease. Therefore, it has been classified as a Variant of Uncertain Significance.